The following is an entry in ClinVar:

ClinVar aggregate classification (germline): Pathogenic (1 of 4 stars; one submission).

Conditions:
RYR1-related disorder. Also called: RYR1-related condition; RYR1-related disorders. Identifiers: MedGen CN239331.

Submission:

Labcorp Genetics (formerly Invitae), Labcorp
Classification: Pathogenic for RYR1-related disorder. Last evaluated: 2022-09-15. Review status: criteria provided, single submitter. Criteria: Invitae Variant Classification Sherloc (09022015). Collection method: clinical testing. Allele origin: germline.
Comment: This sequence change creates a premature translational stop signal (p.Thr4324Alafs*264) in the RYR1 gene. It is expected to result in an absent or disrupted protein product. Loss-of-function variants in RYR1 are known to be pathogenic (PMID: 20583297, 20839240, 23919265, 28818389). This variant is not present in population databases (gnomAD no frequency). This variant has not been reported in the literature in individuals affected with RYR1-related conditions. For these reasons, this variant has been classified as Pathogenic.

Literature cited by the submitters: PubMed 20583297; PubMed 20839240; PubMed 23919265; PubMed 28818389.

NM_000540.3(RYR1):c.12954_12969dup (p.Thr4324fs)

Gene: RYR1 (ryanodine receptor 1; plus strand). Cytogenetic location: 19q13.2.
Variant type: Duplication.
Coding change: c.12954_12969dup on transcript NM_000540.3 (MANE Select); coding-DNA positions 12954 to 12969, 16 bases duplicated (GCGGCTGCGGCGGCTT).
Protein change: p.Thr4324fs; shifts the reading frame from threonine 4324.
Molecular consequence: frameshift variant.
Genome position (GRCh38, 1-based): chr19:38,565,288-38,565,303, GCGGCTGCGGCGGCTT duplicated. VCF-style (leftmost placement, unchanged base first): chr19-38565287-G-GGCGGCTGCGGCGGCTT. GRCh37 (hg19) VCF-style: chr19-39055927-G-GGCGGCTGCGGCGGCTT.
Other names: c.12939_12954dup, p.Thr4319fs (NM_001042723.2); short protein forms T4319fs, T4324fs.
Identifiers: ClinVar variation 2030567 (VCV002030567.4), dbSNP rs2514677532, ClinGen allele CA2580097188.